The following is an entry in ClinVar:

ClinVar aggregate classification (germline): Uncertain significance. Review status: criteria provided, multiple submitters, no conflicts (2 of 4 stars). 2 submissions from 2 submitters: Uncertain significance (2). Last evaluated 2025-08-11.

Conditions:
Epileptic encephalopathy. Identifiers: MedGen C0543888, HP:0200134.

Allele frequency attached by ClinVar (database versions not stated): gnomAD 0.00002; TOPMed 0.00005.
gnomAD v4.1: 34 of 1,604,756 alleles (0.0021%); highest among the groups gnomAD compares: Middle Eastern, 0.016%; no homozygotes.

Submissions (2):

Ambry Genetics
Classification: Uncertain significance. Last evaluated: 2025-08-11. Review status: criteria provided, single submitter. Criteria: Ambry Variant Classification Scheme 2023. Collection method: clinical testing. Allele origin: germline.

Labcorp Genetics (formerly Invitae), Labcorp
Classification: Uncertain significance for Epileptic encephalopathy. Last evaluated: 2021-01-26. Review status: criteria provided, single submitter. Criteria: Invitae Variant Classification Sherloc (09022015). Collection method: clinical testing. Allele origin: germline.
Comment: In summary, the available evidence is currently insufficient to determine the role of this variant in disease. Therefore, it has been classified as a Variant of Uncertain Significance. Algorithms developed to predict the effect of missense changes on protein structure and function are either unavailable or do not agree on the potential impact of this missense change (SIFT: "Deleterious"; PolyPhen-2: "Probably Damaging"; Align-GVGD: "Class C0"). This variant has not been reported in the literature in individuals with FASN-related conditions. This variant is not present in population databases (ExAC no frequency). This sequence change replaces alanine with threonine at codon 1721 of the FASN protein (p.Ala1721Thr). The alanine residue is highly conserved and there is a small physicochemical difference between alanine and threonine.

NM_004104.5(FASN):c.5161G>A (p.Ala1721Thr)

Gene: FASN (fatty acid synthase; minus strand). Cytogenetic location: 17q25.3.
Variant type: single nucleotide variant.
Coding change: c.5161G>A on transcript NM_004104.5 (MANE Select); coding-DNA position 5161, G replaced by A.
Protein change: p.Ala1721Thr; replaces alanine 1721 with threonine.
Molecular consequence: missense variant.
Genome position (GRCh38, 1-based): chr17:82,083,829, C>T on the plus strand (G>A on the coding strand, the complement: FASN is on the minus strand). VCF-style: chr17-82083829-C-T. GRCh37 (hg19) VCF-style: chr17-80041705-C-T.
Other names: c.5161G>A (NM_004104.4); short protein forms A1721T.
Identifiers: ClinVar variation 1521944 (VCV001521944.9), dbSNP rs1185045874, ClinGen allele CA401540583.